The following is an entry in ClinVar:

NM_001278669.2(NFATC1):c.2349G>A (p.Pro783=)

Gene: NFATC1 (nuclear factor of activated T cells 1; plus strand). Cytogenetic location: 18q23.
Variant type: single nucleotide variant.
Coding change: c.2349G>A on transcript NM_001278669.2 (MANE Select); coding-DNA position 2349, G replaced by A.
Protein change: p.Pro783=; no amino-acid change (proline 783 retained).
Molecular consequence: synonymous variant. On other transcripts: intron variant (2).
Genome position (GRCh38, 1-based): chr18:79,486,504, G>A. VCF-style: chr18-79486504-G-A. GRCh37 (hg19) VCF-style: chr18-77246504-G-A.
Other names: c.933G>A, p.Pro311= (NM_001278673.2, NM_172388.3); c.2349G>A, p.Pro783= (NM_006162.5); c.2310G>A, p.Pro770= (NM_172387.3, NM_172389.3); c.2092+18922G>A (NM_001278670.2); c.2053+18922G>A (NM_001278672.2).
Identifiers: ClinVar variation 3051946 (VCV003051946.3), dbSNP rs756301436, ClinGen allele CA9009603.

ClinVar aggregate classification (germline): Likely benign. Review status: criteria provided, single submitter (1 of 4 stars). 2 submissions from 2 submitters: Likely benign (1). 1 of the submissions does not count toward it. Last evaluated 2025-02-12.

Conditions:
NFATC1-related disorder. Also called: NFATC1-related condition.

Allele frequency attached by ClinVar (database versions not stated): TOPMed 0.00003; ExAC 0.00006.
gnomAD v4.1: 52 of 1,604,234 alleles (0.0032%); highest among the groups gnomAD compares: Non-Finnish European, 0.0036%; no homozygotes.

Submissions (2):

Labcorp Genetics (formerly Invitae), Labcorp
Classification: Likely benign. Last evaluated: 2025-02-12. Review status: criteria provided, single submitter. Criteria: Invitae Variant Classification Sherloc (09022015). Collection method: clinical testing. Allele origin: germline.

PreventionGenetics, part of Exact Sciences
Classification: Likely benign for NFATC1-related condition. Last evaluated: 2020-02-26. Review status: no assertion criteria provided. Collection method: clinical testing. Allele origin: germline. Not counted in ClinVar's aggregate classification.
Comment: This variant is classified as likely benign based on ACMG/AMP sequence variant interpretation guidelines (Richards et al. 2015 PMID: 25741868, with internal and published modifications).